The following is an entry in ClinVar:

NC_000005.9:g.(?_112136966)_(112179823_?)dup

Gene: APC (APC regulator of Wnt signaling pathway; plus strand). Cytogenetic location: 5q22.2.
Variant type: Duplication.
Identifiers: ClinVar variation 1371822 (VCV001371822.3).

ClinVar aggregate classification (germline): Uncertain significance (1 of 4 stars; one submission).

Conditions:
Familial adenomatous polyposis 1 (FAP1). Also called: FAMILIAL ADENOMATOUS POLYPOSIS 1, ATTENUATED; POLYPOSIS, ADENOMATOUS INTESTINAL. Identifiers: MedGen C2713442, MONDO:0021056, OMIM 175100. Disease mechanism: loss of function.

Submission:

Labcorp Genetics (formerly Invitae), Labcorp
Classification: Uncertain significance for Familial adenomatous polyposis 1. Last evaluated: 2022-03-17. Review status: criteria provided, single submitter. Criteria: Invitae Variant Classification Sherloc (09022015). Collection method: clinical testing. Allele origin: germline.
Comment: In summary, the available evidence is currently insufficient to determine the role of this variant in disease. Therefore, it has been classified as a Variant of Uncertain Significance. Experimental studies and prediction algorithms are not available or were not evaluated, and the functional significance of this variant is currently unknown. This variant has not been reported in the literature in individuals affected with APC-related conditions. This variant results in a copy number gain of the genomic region encompassing exon(s) 8-16 of the APC gene. This region includes the termination codon of the gene. This copy number gain extends beyond the assayed region for this gene and therefore may encompass additional genes. As the precise location of this event is unknown, it may be in tandem or it may be located elsewhere in the genome.